The following is an entry in ClinVar:

NM_000236.3(LIPC):c.91C>A (p.Pro31Thr)

Gene: LIPC (lipase C, hepatic type; plus strand). Cytogenetic location: 15q21.3.
Variant type: single nucleotide variant.
Coding change: c.91C>A on transcript NM_000236.3 (MANE Select); coding-DNA position 91, C replaced by A.
Protein change: p.Pro31Thr; replaces proline 31 with threonine.
Molecular consequence: missense variant.
Genome position (GRCh38, 1-based): chr15:58,538,335, C>A. VCF-style: chr15-58538335-C-A. GRCh37 (hg19) VCF-style: chr15-58830534-C-A.
Other names: short protein forms P31T.
Identifiers: ClinVar variation 4748486 (VCV004748486.1).

ClinVar aggregate classification (germline): Uncertain significance (1 of 4 stars; one submission).

gnomAD v4.1: 23 of 1,614,090 alleles (0.0014%); highest among the groups gnomAD compares: South Asian, 0.024%; no homozygotes.

Submission:

Labcorp Genetics (formerly Invitae), Labcorp
Classification: Uncertain significance. Last evaluated: 2025-07-30. Review status: criteria provided, single submitter. Criteria: Invitae Variant Classification Sherloc (09022015). Collection method: clinical testing. Allele origin: germline.
Comment: This sequence change replaces proline, which is neutral and non-polar, with threonine, which is neutral and polar, at codon 31 of the LIPC protein (p.Pro31Thr). This variant is present in population databases (rs758057124, gnomAD 0.03%). This missense change has been observed in individual(s) with hypertriglyceridemia (PMID: 36325899). An algorithm developed to predict the effect of missense changes on protein structure and function (PolyPhen-2) suggests that this variant is likely to be tolerated. In summary, the available evidence is currently insufficient to determine the role of this variant in disease. Therefore, it has been classified as a Variant of Uncertain Significance.

Literature cited by the submitters: PubMed 36325899.